The following is an entry in ClinVar:

NM_000545.8(HNF1A):c.694C>G (p.Leu232Val)

Gene: HNF1A (HNF1 homeobox A; plus strand). Cytogenetic location: 12q24.31.
Variant type: single nucleotide variant.
Coding change: c.694C>G on transcript NM_000545.8 (MANE Select); coding-DNA position 694, C replaced by G.
Protein change: p.Leu232Val; replaces leucine 232 with valine.
Molecular consequence: missense variant.
Genome position (GRCh38, 1-based): chr12:120,993,687, C>G. VCF-style: chr12-120993687-C-G. GRCh37 (hg19) VCF-style: chr12-121431490-C-G.
Other names: NM_001306179.2:c.694C>G; c.694C>G, p.Leu232Val (NM_001306179.2, NM_001406915.1); short protein forms L232V.
Identifiers: ClinVar variation 3338655 (VCV003338655.1).
Genomic context (GRCh38, chr12:120,993,687, plus strand): 5'-CAGATCCTGTTCCAGGCCTATGAGAGGCAGAAGAACCCTAGCAAGGAGGAGCGAGAGACG[C>G]TAGTGGAGGAGTGCAATAGGTACAACGGCGGGCGGGAAACAGTGCTGGTTTGGTCTGGGC-3'
Protein context (NP_000536.6, residues 222-242): KNPSKEERET[Leu232Val]VEECNRAECI

ClinVar aggregate classification (germline): Likely pathogenic (3 of 4 stars; one submission).

Conditions:
Monogenic diabetes. Identifiers: Orphanet 183625, MedGen C3888631, MONDO:0015967.

Submission:

ClinGen Monogenic Diabetes Variant Curation Expert Panel
Classification: Likely pathogenic for Monogenic diabetes. Last evaluated: 2024-08-01. Review status: reviewed by expert panel. Criteria: ClinGen Diabetes ACMG Specifications HNF1A V2.1.0. Collection method: curation. Allele origin: germline. Inheritance: Autosomal dominant inheritance.
Comment: The c.694C>G variant in the HNF1 homeobox A gene, HNF1A, causes an amino acid change of leucine to valine at codon 232 (p.(Leu232Val)) of NM_000545.8. This variant is located within a conserved region of the DNA binding domain (codons 107-174 and 201-280) of HNF1A, which is defined as critical for the protein’s function by the ClinGen MDEP (PM1_Supporting) and is absent from gnomAD v2.1.1 (PM2_Supporting). This variant has a REVEL score of 0.688, which is between the ClinGen MDEP thresholds for BP4 and PP3, predicting neither a damaging nor benign impact on HNF1A function. This variant is absent from gnomAD v2.1.1 (PM2_Supporting). This variant was identified in an individual with a clinical history highly specific for HNF1A-monogenic diabetes (MODY probability calculator result >50%, negative genetic testing for HNF4A) (PP4; internal lab contributors). This variant segregated with diabetes, with 3 informative meioses in 1 family (PP1; internal lab contributors). Another missense variant, c.695T>C p.Leu232Pro, has been classified as likely pathogenic by the ClinGen MDEP (PM5_Supporting). In summary, c.694C>G meets the criteria to be classified as likely pathogenic for monogenic diabetes. ACMG/AMP criteria applied, as specified by the ClinGen MDEP (specification version 2.1.0, approved 8/11/2023): PP4_Moderate, PP1, PM1_Supporting, PM2_Supporting, PM5_Supporting.